The following is an entry in ClinVar:

ClinVar aggregate classification (germline): Uncertain significance (1 of 4 stars; one submission).

gnomAD v4.1: 1 of 1,608,900 alleles (0.000062%); highest among the groups gnomAD compares: Non-Finnish European, 0.000085%; no homozygotes.

Submission:

Labcorp Genetics (formerly Invitae), Labcorp
Classification: Uncertain significance. Last evaluated: 2021-01-28. Review status: criteria provided, single submitter. Criteria: Invitae Variant Classification Sherloc (09022015). Collection method: clinical testing. Allele origin: germline.
Comment: This variant is not present in population databases (ExAC no frequency). In summary, the available evidence is currently insufficient to determine the role of this variant in disease. Therefore, it has been classified as a Variant of Uncertain Significance. Algorithms developed to predict the effect of missense changes on protein structure and function are either unavailable or do not agree on the potential impact of this missense change (SIFT: "Tolerated"; PolyPhen-2: "Possibly Damaging"; Align-GVGD: "Class C0"). This variant has not been reported in the literature in individuals with TNFSF11-related conditions. This sequence change replaces alanine with serine at codon 65 of the TNFSF11 protein (p.Ala65Ser). The alanine residue is moderately conserved and there is a moderate physicochemical difference between alanine and serine.

NM_003701.4(TNFSF11):c.193G>T (p.Ala65Ser)

Gene: TNFSF11 (TNF superfamily member 11; plus strand). Cytogenetic location: 13q14.11.
Variant type: single nucleotide variant.
Coding change: c.193G>T on transcript NM_003701.4 (MANE Select); coding-DNA position 193, G replaced by T.
Protein change: p.Ala65Ser; replaces alanine 65 with serine.
Molecular consequence: missense variant. On other transcripts: intron variant (1).
Genome position (GRCh38, 1-based): chr13:42,574,496, G>T. VCF-style: chr13-42574496-G-T. GRCh37 (hg19) VCF-style: chr13-43148632-G-T.
Other names: c.-1+2758G>T (NM_033012.4); short protein forms A65S.
Identifiers: ClinVar variation 1472800 (VCV001472800.8), dbSNP rs1010895080, ClinGen allele CA249049738.
Genomic context (GRCh38, chr13:42,574,496, plus strand): 5'-TCCCGCTCCATGTTCGTGGCCCTCCTGGGGCTGGGGCTGGGCCAGGTTGTCTGCAGCGTC[G>T]CCCTGTTCTTCTATTTCAGAGCGCAGGTGAGTGGCCACCTTCCCAGGGGATCGCGGCTGA-3'
Protein context (NP_003692.1, residues 55-75): LGLGQVVCSV[Ala65Ser]LFFYFRAQMD